The following is an entry in ClinVar:

ClinVar aggregate classification (germline): Uncertain significance (1 of 4 stars; one submission).

Conditions:
Dilated cardiomyopathy 1KK (CMD1KK). Identifiers: Orphanet 154, Orphanet 75249, MedGen C3714995, MONDO:0014100, OMIM 615248.

Allele frequency attached by ClinVar (database versions not stated): 1000 Genomes Project 0.00020.
gnomAD v4.1: 3 of 1,614,148 alleles (0.00019%); highest among the groups gnomAD compares: East Asian, 0.0067%; no homozygotes.

Submission:

Labcorp Genetics (formerly Invitae), Labcorp
Classification: Uncertain significance for Dilated cardiomyopathy 1KK. Last evaluated: 2022-10-17. Review status: criteria provided, single submitter. Criteria: Invitae Variant Classification Sherloc (09022015). Collection method: clinical testing. Allele origin: germline.
Comment: In summary, the available evidence is currently insufficient to determine the role of this variant in disease. Therefore, it has been classified as a Variant of Uncertain Significance. Algorithms developed to predict the effect of missense changes on protein structure and function (SIFT, PolyPhen-2, Align-GVGD) all suggest that this variant is likely to be tolerated. ClinVar contains an entry for this variant (Variation ID: 1485340). This variant has not been reported in the literature in individuals affected with MYPN-related conditions. This variant is not present in population databases (gnomAD no frequency). This sequence change replaces arginine, which is basic and polar, with leucine, which is neutral and non-polar, at codon 1139 of the MYPN protein (p.Arg1139Leu).

NM_032578.4(MYPN):c.3416G>T (p.Arg1139Leu)

Gene: MYPN (myopalladin; plus strand). Cytogenetic location: 10q21.3.
Variant type: single nucleotide variant.
Coding change: c.3416G>T on transcript NM_032578.4 (MANE Select); coding-DNA position 3416, G replaced by T.
Protein change: p.Arg1139Leu; replaces arginine 1139 with leucine.
Molecular consequence: missense variant. On other transcripts: non-coding transcript variant (2).
Genome position (GRCh38, 1-based): chr10:68,199,498, G>T. VCF-style: chr10-68199498-G-T. GRCh37 (hg19) VCF-style: chr10-69959255-G-T.
Other names: c.3416G>T, p.Arg1139Leu (NM_001256267.2); c.2534G>T, p.Arg845Leu (NM_001256268.2); short protein forms R845L, R1139L.
Identifiers: ClinVar variation 1485340 (VCV001485340.8), dbSNP rs531222847, ClinGen allele CA208226094.